The following is an entry in ClinVar:

NM_020631.6(PLEKHG5):c.99C>T (p.Pro33=)

Gene: PLEKHG5 (pleckstrin homology and RhoGEF domain containing G5; minus strand). Cytogenetic location: 1p36.31.
Variant type: single nucleotide variant.
Coding change: c.99C>T on transcript NM_020631.6 (MANE Select); coding-DNA position 99, C replaced by T.
Protein change: p.Pro33=; no amino-acid change (proline 33 retained).
Molecular consequence: synonymous variant.
Genome position (GRCh38, 1-based): chr1:6,475,981, G>A on the plus strand (C>T on the coding strand, the complement: PLEKHG5 is on the minus strand). VCF-style: chr1-6475981-G-A. GRCh37 (hg19) VCF-style: chr1-6536041-G-A.
Other names: c.210C>T, p.Pro70= (NM_001042663.3, NM_001265592.2); c.99C>T, p.Pro33= (NM_001042664.2, NM_001042665.2, NM_001265594.3 and 1 more transcripts); c.306C>T, p.Pro102= (NM_001265593.2).
Identifiers: ClinVar variation 509324 (VCV000509324.12), dbSNP rs775878865, ClinGen allele CA561991.
Genomic context (GRCh38, chr1:6,475,981, plus strand): 5'-CCTCACCTACCCTTTGCCATCCACAGAGCTCTCCTCCTCCTCCTCCTCCAAGTCCACTGC[G>A]GGGCTGGTGCGCGGCGGGCATGACCGGGTGGACACGTTCCGGGCCAGCACAGAGCCTTGG-3'
Protein context (NP_065682.2, residues 23-43): STRSCPPRTS[Pro33=]AVDLEEEEEE

ClinVar aggregate classification (germline): Likely benign. Review status: criteria provided, multiple submitters, no conflicts (2 of 4 stars). 3 submissions from 3 submitters: Likely benign (3). Last evaluated 2025-05-12.

Conditions:
Inborn genetic diseases. Identifiers: MedGen C0950123, MeSH D030342.
Neuronopathy, distal hereditary motor, autosomal recessive 4. Also called: Autosomal recessive lower motor neuron disease with childhood onset; NEUROPATHY, DISTAL HEREDITARY MOTOR, AUTOSOMAL RECESSIVE 4. Identifiers: Orphanet 206580, MedGen C1970211, MONDO:0012608, OMIM 611067.
Charcot-Marie-Tooth disease recessive intermediate C. Also called: CHARCOT-MARIE-TOOTH NEUROPATHY, RECESSIVE INTERMEDIATE C. Identifiers: Orphanet 369867, MedGen C3809309, MONDO:0014154, OMIM 615376.

Allele frequency attached by ClinVar (database versions not stated): gnomAD 0.00002; gnomAD exomes 0.00002; TOPMed 0.00002; ExAC 0.00003.
gnomAD v4.1: 30 of 1,613,850 alleles (0.0019%); highest among the groups gnomAD compares: South Asian, 0.0033%; no homozygotes.

Submissions (3):

Labcorp Genetics (formerly Invitae), Labcorp
Classification: Likely benign for Neuronopathy, distal hereditary motor, autosomal recessive 4; Charcot-Marie-Tooth disease recessive intermediate C. Last evaluated: 2025-05-12. Review status: criteria provided, single submitter. Criteria: Invitae Variant Classification Sherloc (09022015). Collection method: clinical testing. Allele origin: germline.

Ambry Genetics
Classification: Likely benign for Inborn genetic diseases. Last evaluated: 2019-07-11. Review status: criteria provided, single submitter. Criteria: Ambry Variant Classification Scheme 2023. Collection method: clinical testing. Allele origin: germline.

GeneDx
Classification: Likely benign. Last evaluated: 2017-05-03. Review status: criteria provided, single submitter. Criteria: GeneDx Variant Classification (06012015). Collection method: clinical testing. Allele origin: germline. Affected: yes.
Comment: This variant is considered likely benign or benign based on one or more of the following criteria: it is a conservative change, it occurs at a poorly conserved position in the protein, it is predicted to be benign by multiple in silico algorithms, and/or has population frequency not consistent with disease.